The following is an entry in ClinVar:

ClinVar aggregate classification (germline): Uncertain significance. Review status: criteria provided, multiple submitters, no conflicts (2 of 4 stars). 3 submissions from 3 submitters: Uncertain significance (3). Last evaluated 2025-07-14.

Submissions (3):

Labcorp Genetics (formerly Invitae), Labcorp
Classification: Uncertain significance. Last evaluated: 2025-07-14. Review status: criteria provided, single submitter. Criteria: Invitae Variant Classification Sherloc (09022015). Collection method: clinical testing. Allele origin: germline.
Comment: This sequence change replaces leucine, which is neutral and non-polar, with arginine, which is basic and polar, at codon 292 of the IL2RB protein (p.Leu292Arg). This variant is not present in population databases (gnomAD no frequency). This variant has not been reported in the literature in individuals affected with IL2RB-related conditions. An algorithm developed to predict the effect of missense changes on protein structure and function (PolyPhen-2) suggests that this variant is likely to be disruptive. In summary, the available evidence is currently insufficient to determine the role of this variant in disease. Therefore, it has been classified as a Variant of Uncertain Significance.

Mayo Clinic Laboratories, Mayo Clinic
Classification: Uncertain significance. Last evaluated: 2025-07-01. Review status: criteria provided, single submitter. Criteria: ACMG Guidelines, 2015. Collection method: clinical testing. Allele origin: germline. Observed: 1 variant allele.
Comment: PP3, PM2_supporting

Ambry Genetics
Classification: Uncertain significance. Last evaluated: 2025-05-23. Review status: criteria provided, single submitter. Criteria: Ambry Variant Classification Scheme 2023. Collection method: clinical testing. Allele origin: germline.

NM_000878.5(IL2RB):c.875T>G (p.Leu292Arg)

Gene: IL2RB (interleukin 2 receptor subunit beta; minus strand). Cytogenetic location: 22q12.3.
Variant type: single nucleotide variant.
Coding change: c.875T>G on transcript NM_000878.5 (MANE Select); coding-DNA position 875, T replaced by G.
Protein change: p.Leu292Arg; replaces leucine 292 with arginine.
Molecular consequence: missense variant.
Genome position (GRCh38, 1-based): chr22:37,132,412, A>C on the plus strand (T>G on the coding strand, the complement: IL2RB is on the minus strand). VCF-style: chr22-37132412-A-C. GRCh37 (hg19) VCF-style: chr22-37528452-A-C.
Other names: p.Leu292Arg; c.875T>G, p.Leu292Arg (NM_001346222.1, NM_001346223.2); short protein forms L292R.
Identifiers: ClinVar variation 4038410 (VCV004038410.3).